The following is an entry in ClinVar:

NM_000057.4(BLM):c.2882T>C (p.Val961Ala)

Gene: BLM (BLM RecQ like helicase; plus strand). Cytogenetic location: 15q26.1.
Variant type: single nucleotide variant.
Coding change: c.2882T>C on transcript NM_000057.4 (MANE Select); coding-DNA position 2882, T replaced by C.
Protein change: p.Val961Ala; replaces valine 961 with alanine.
Molecular consequence: missense variant.
Genome position (GRCh38, 1-based): chr15:90,790,707, T>C. VCF-style: chr15-90790707-T-C. GRCh37 (hg19) VCF-style: chr15-91333937-T-C.
Other names: c.2882T>C, p.Val961Ala (NM_001287246.2, NM_001287247.2); c.1757T>C, p.Val586Ala (NM_001287248.2); short protein forms V961A, V586A.
Identifiers: ClinVar variation 580054 (VCV000580054.9), dbSNP rs1567056582, ClinGen allele CA393846338.

ClinVar aggregate classification (germline): Uncertain significance (1 of 4 stars; one submission).

Conditions:
Bloom syndrome (BLM). Also called: Bloom-Torre-Machacek syndrome. Identifiers: Orphanet 125, MedGen C0005859, MONDO:0008876, OMIM 210900.

Submission:

Labcorp Genetics (formerly Invitae), Labcorp
Classification: Uncertain significance for Bloom syndrome. Last evaluated: 2018-02-12. Review status: criteria provided, single submitter. Criteria: Invitae Variant Classification Sherloc (09022015). Collection method: clinical testing. Allele origin: germline.
Comment: Algorithms developed to predict the effect of missense changes on protein structure and function do not agree on the potential impact of this missense change (SIFT: "Deleterious"; PolyPhen-2: "Probably Damaging"; Align-GVGD: "Class C0"). In summary, the available evidence is currently insufficient to determine the role of this variant in disease. Therefore, it has been classified as a Variant of Uncertain Significance. This variant has not been reported in the literature in individuals with BLM-related disease. This variant is not present in population databases (ExAC no frequency). This sequence change replaces valine with alanine at codon 961 of the BLM protein (p.Val961Ala). The valine residue is highly conserved and there is a small physicochemical difference between valine and alanine.